The following is an entry in ClinVar:

ClinVar aggregate classification (germline): Likely benign. Review status: criteria provided, multiple submitters, no conflicts (2 of 4 stars). 3 submissions from 3 submitters: Likely benign (2). 1 of the submissions does not count toward it. Last evaluated 2023-12-01.

Conditions:
PTCH1-related disorder. Also called: PTCH1-related disorders; PTCH1-related condition.

Allele frequency attached by ClinVar (database versions not stated): 1000 Genomes Project 0.00080; 1000 Genomes Project 30x 0.00062; gnomAD 0.00009; ExAC 0.00033.
gnomAD v4.1: 361 of 1,611,530 alleles (0.022%); highest among the groups gnomAD compares: East Asian, 0.8%; 4 homozygotes.

Submissions (3):

CeGaT Center for Human Genetics Tuebingen
Classification: Likely benign. Last evaluated: 2023-12-01. Review status: criteria provided, single submitter. Criteria: CeGaT Center For Human Genetics Tuebingen Variant Classification Criteria Version 2. Collection method: clinical testing. Allele origin: germline. Affected: yes. Observed: 1 variant allele.
Comment: PTCH1: BP4, BS1

Blueprint Genetics
Classification: Likely benign. Last evaluated: 2023-09-20. Review status: criteria provided, single submitter. Criteria: ACMG Guidelines, 2015. Collection method: clinical testing. Allele origin: germline.

PreventionGenetics, part of Exact Sciences
Classification: Likely benign for PTCH1-related condition. Last evaluated: 2019-11-15. Review status: no assertion criteria provided. Collection method: clinical testing. Allele origin: germline. Not counted in ClinVar's aggregate classification.
Comment: This variant is classified as likely benign based on ACMG/AMP sequence variant interpretation guidelines (Richards et al. 2015 PMID: 25741868, with internal and published modifications).

NM_001083603.3(PTCH1):c.86G>T (p.Gly29Val)

Gene: PTCH1 (patched 1; minus strand). Cytogenetic location: 9q22.32.
Variant type: single nucleotide variant.
Coding change: c.86G>T on transcript NM_001083603.3 (MANE Plus Clinical); coding-DNA position 86, G replaced by T.
Protein change: p.Gly29Val; replaces glycine 29 with valine.
Molecular consequence: missense variant. On other transcripts: 5 prime UTR variant (2).
Genome position (GRCh38, 1-based): chr9:95,516,735, C>A on the plus strand (G>T on the coding strand, the complement: PTCH1 is on the minus strand). VCF-style: chr9-95516735-C-A. GRCh37 (hg19) VCF-style: chr9-98279017-C-A.
Other names: c.-264G>T (NM_001083602.3, NM_001354919.2); short protein forms G29V.
Identifiers: ClinVar variation 3026226 (VCV003026226.22), dbSNP rs200842963, ClinGen allele CA5139115.